The following is an entry in ClinVar:

NM_001376.5(DYNC1H1):c.9371A>C (p.Asp3124Ala)

Genes: DYNC1H1 (dynein cytoplasmic 1 heavy chain 1; plus strand), LOC126862060 (BRD4-independent group 4 enhancer GRCh37_chr14:102493659-102494858; plus strand). Cytogenetic location: 14q32.31.
Variant type: single nucleotide variant.
Coding change: c.9371A>C on transcript NM_001376.5 (MANE Select); coding-DNA position 9371, A replaced by C.
Protein change: p.Asp3124Ala; replaces aspartic acid 3124 with alanine.
Molecular consequence: missense variant.
Genome position (GRCh38, 1-based): chr14:102,028,044, A>C. VCF-style: chr14-102028044-A-C. GRCh37 (hg19) VCF-style: chr14-102494381-A-C.
Other names: short protein forms D3124A.
Identifiers: ClinVar variation 1698352 (VCV001698352.2), dbSNP rs2152589337, ClinGen allele CA391013987.

ClinVar aggregate classification (germline): Uncertain significance (1 of 4 stars; one submission).

Submission:

GeneDx
Classification: Uncertain significance. Last evaluated: 2022-01-19. Review status: criteria provided, single submitter. Criteria: GeneDx Variant Classification Process June 2021. Collection method: clinical testing. Allele origin: germline. Affected: yes.
Comment: Not observed at significant frequency in large population cohorts (gnomAD); In silico analysis supports that this missense variant has a deleterious effect on protein structure/function; Has not been previously published as pathogenic or benign to our knowledge; This variant is associated with the following publications: (PMID: 26100331, 25609763, 25512093)